The following is an entry in ClinVar:

NM_000059.4(BRCA2):c.4845C>T (p.Leu1615=)

Gene: BRCA2 (BRCA2 DNA repair associated; plus strand). Cytogenetic location: 13q13.1.
Variant type: single nucleotide variant.
Coding change: c.4845C>T on transcript NM_000059.4 (MANE Select); coding-DNA position 4845, C replaced by T.
Protein change: p.Leu1615=; no amino-acid change (leucine 1615 retained).
Molecular consequence: synonymous variant.
Genome position (GRCh38, 1-based): chr13:32,339,200, C>T. VCF-style: chr13-32339200-C-T. GRCh37 (hg19) VCF-style: chr13-32913337-C-T.
Identifiers: ClinVar variation 230866 (VCV000230866.19), dbSNP rs876658816, ClinGen allele CA10579636.

ClinVar aggregate classification (germline): Likely benign. Review status: reviewed by expert panel (3 of 4 stars). 6 submissions from 6 submitters: Likely benign (1). 5 of the submissions do not count toward it. Last evaluated 2017-06-29.

Conditions:
Hereditary breast ovarian cancer syndrome. Also called: Breast and ovarian cancer; BRCA1- and BRCA2-Associated Hereditary Breast and Ovarian Cancer; Hereditary breast and ovarian cancer syndrome; Hereditary breast and ovarian cancer syndrome (HBOC); Hereditary breast and/or ovarian cancer syndrome; Hereditary breast and ovarian cancer. Identifiers: Orphanet 145, MedGen C0677776, MeSH D061325, MONDO:0003582. Disease mechanism: loss of function.
Breast-ovarian cancer, familial, susceptibility to, 2 (BROVCA2). Also called: BRCA2 Hereditary Breast and Ovarian Cancer. Identifiers: Orphanet 145, MedGen C2675520, MONDO:0012933, OMIM 612555. Disease mechanism: loss of function.
BRCA2-related cancer predisposition. Identifiers: MedGen CN377758, MONDO:0700269.
Hereditary cancer-predisposing syndrome. Also called: Neoplastic Syndromes, Hereditary; Hereditary Cancer Syndrome; Tumor predisposition; Hereditary neoplastic syndrome. Identifiers: Orphanet 140162, MedGen C0027672, MeSH D009386, MONDO:0015356.

Allele frequency attached by ClinVar (database versions not stated): gnomAD exomes below 0.00001.
gnomAD v4.1: 1 of 1,613,484 alleles (0.000062%); highest among the groups gnomAD compares: Non-Finnish European, 0.000085%; no homozygotes.

Submissions (6):

Evidence-based Network for the Interpretation of Germline Mutant Alleles (ENIGMA)
Classification: Likely benign for Breast-ovarian cancer, familial, susceptibility to, 2. Last evaluated: 2017-06-29. Review status: reviewed by expert panel. Criteria: ENIGMA BRCA1/2 Classification Criteria (2017-06-29). Collection method: curation. Allele origin: germline.
Comment: Synonymous substitution variant, with low bioinformatic likelihood to result in a splicing aberration (Splicing prior probability 0.02).

Labcorp Genetics (formerly Invitae), Labcorp
Classification: Likely benign for Hereditary breast ovarian cancer syndrome. Last evaluated: 2025-05-13. Review status: criteria provided, single submitter. Criteria: Invitae Variant Classification Sherloc (09022015). Collection method: clinical testing. Allele origin: germline. Not counted in ClinVar's aggregate classification.

All of Us Research Program, National Institutes of Health
Classification: Likely benign for BRCA2-related cancer predisposition. Last evaluated: 2024-07-10. Review status: criteria provided, single submitter. Criteria: ACMG Guidelines, 2015. Collection method: clinical testing. Allele origin: germline. Inheritance: Autosomal dominant inheritance. Observed: 1 variant allele, 1 heterozygote. Not counted in ClinVar's aggregate classification.
Comment: This study involves interpretation of variants in research participants for the purpose of population health screening. Participant phenotype was not available at the time of variant classification. Additional details can be found in publication PMID: 35346344, PMCID: PMC8962531

Blueprint Genetics
Classification: Likely benign. Last evaluated: 2024-06-20. Review status: criteria provided, single submitter. Criteria: ACMG Guidelines, 2015. Collection method: clinical testing. Allele origin: germline. Not counted in ClinVar's aggregate classification.

Sema4
Classification: Likely benign for Hereditary cancer-predisposing syndrome. Last evaluated: 2021-03-10. Review status: criteria provided, single submitter. Criteria: Sema4 Curation Guidelines. Collection method: curation. Allele origin: germline. Not counted in ClinVar's aggregate classification.

Ambry Genetics
Classification: Likely benign for Hereditary cancer-predisposing syndrome. Last evaluated: 2015-03-06. Review status: criteria provided, single submitter. Criteria: Ambry Variant Classification Scheme 2023. Collection method: clinical testing. Allele origin: germline. Not counted in ClinVar's aggregate classification.